The following is an entry in ClinVar:

NM_201384.3(PLEC):c.1872C>T (p.Ala624=)

Gene: PLEC (plectin; minus strand). Cytogenetic location: 8q24.3.
Variant type: single nucleotide variant.
Coding change: c.1872C>T on transcript NM_201384.3 (MANE Select); coding-DNA position 1872, C replaced by T.
Protein change: p.Ala624=; no amino-acid change (alanine 624 retained).
Molecular consequence: synonymous variant.
Genome position (GRCh38, 1-based): chr8:143,932,505, G>A on the plus strand (C>T on the coding strand, the complement: PLEC is on the minus strand). VCF-style: chr8-143932505-G-A. GRCh37 (hg19) VCF-style: chr8-145006673-G-A.
Other names: c.1953C>T, p.Ala651= (NM_000445.5); c.1830C>T, p.Ala610= (NM_201378.4); c.1806C>T, p.Ala602= (NM_201379.3); c.2283C>T, p.Ala761= (NM_201380.4); c.1776C>T, p.Ala592= (NM_201381.3); c.1872C>T, p.Ala624= (NM_201382.4); c.1884C>T, p.Ala628= (NM_201383.3); c.1953C>T (NM_000445.4).
Identifiers: ClinVar variation 681155 (VCV000681155.9), dbSNP rs782547448, ClinGen allele CA4927810.

ClinVar aggregate classification (germline): Conflicting classifications of pathogenicity. Review status: criteria provided, conflicting classifications (1 of 4 stars). 4 submissions from 4 submitters: Uncertain significance (1); Likely benign (3). Last evaluated 2025-07-21.

Conditions:
PLEC-related disorder. Also called: PLEC-related condition; PLEC-related disorders.
Autosomal recessive limb-girdle muscular dystrophy type 2Q (LGMDR17). Also called: MUSCULAR DYSTROPHY, LIMB-GIRDLE, AUTOSOMAL RECESSIVE 17. Identifiers: Orphanet 254361, MedGen C3150989, MONDO:0013390, OMIM 613723.
Epidermolysis bullosa simplex 5B, with muscular dystrophy (EBS5B). Also called: EPIDERMOLYSIS BULLOSA SIMPLEX AND LIMB-GIRDLE MUSCULAR DYSTROPHY; Epidermolysis bullosa simplex with muscular dystrophy. Identifiers: Orphanet 257, MedGen C2931072, MONDO:0009181, OMIM 226670.
Epidermolysis bullosa simplex with nail dystrophy (EBS5D). Identifiers: MedGen C4225309, MONDO:0014661, OMIM 616487.
Epidermolysis bullosa simplex 5C, with pyloric atresia (EBS5C). Also called: PLEC-Related Epidermolysis Bullosa with Pyloric Atresia; Epidermolysis bullosa simplex with pyloric atresia; PLEC1-Related Epidermolysis Bullosa with Pyloric Atresia. Identifiers: Orphanet 158684, MedGen C2677349, MONDO:0012807, OMIM 612138.
Epidermolysis bullosa simplex, Ogna type (EBS5A). Also called: EPIDERMOLYSIS BULLOSA SIMPLEX 5A, OGNA TYPE; Pidermolysis bullosa simplex 5A, Ogna type. Identifiers: Orphanet 79401, MedGen C0432317, MONDO:0007555, OMIM 131950.

Allele frequency attached by ClinVar (database versions not stated): ExAC 0.00001; gnomAD 0.00002; TOPMed 0.00002.
gnomAD v4.1: 38 of 1,612,202 alleles (0.0024%); highest among the groups gnomAD compares: Non-Finnish European, 0.0029%; no homozygotes.

Submissions (4):

PreventionGenetics, part of Exact Sciences
Classification: Likely benign for PLEC-related condition. Last evaluated: 2025-07-21. Review status: criteria provided, single submitter. Criteria: ACMG Guidelines, 2015. Collection method: clinical testing. Allele origin: germline.
Comment: This variant is classified as likely benign based on ACMG/AMP sequence variant interpretation guidelines (Richards et al. 2015 PMID: 25741868, with internal and published modifications).

Revvity Omics, Revvity
Classification: Uncertain significance. Last evaluated: 2024-04-02. Review status: criteria provided, single submitter. Criteria: ACMG Guidelines, 2015. Collection method: clinical testing. Allele origin: germline.

Labcorp Genetics (formerly Invitae), Labcorp
Classification: Likely benign for Autosomal recessive limb-girdle muscular dystrophy type 2Q; Epidermolysis bullosa simplex, Ogna type; Epidermolysis bullosa simplex with nail dystrophy; Epidermolysis bullosa simplex 5C, with pyloric atresia; Epidermolysis bullosa simplex 5B, with muscular dystrophy. Last evaluated: 2022-06-30. Review status: criteria provided, single submitter. Criteria: Invitae Variant Classification Sherloc (09022015). Collection method: clinical testing. Allele origin: germline.

GeneDx
Classification: Likely benign. Last evaluated: 2018-04-09. Review status: criteria provided, single submitter. Criteria: GeneDx Variant Classification (06012015). Collection method: clinical testing. Allele origin: germline. Affected: yes.
Comment: This variant is considered likely benign or benign based on one or more of the following criteria: it is a conservative change, it occurs at a poorly conserved position in the protein, it is predicted to be benign by multiple in silico algorithms, and/or has population frequency not consistent with disease.